The following is an entry in ClinVar:

ClinVar aggregate classification (germline): Likely benign. Review status: criteria provided, multiple submitters, no conflicts (2 of 4 stars). 2 submissions from 2 submitters: Likely benign (2). Last evaluated 2025-12-01.

Allele frequency attached by ClinVar (database versions not stated): gnomAD 0.00001 and 0.00002; gnomAD exomes 0.00002 and 0.00003; ExAC 0.00003.
gnomAD v4.1: 34 of 1,613,972 alleles (0.0021%); highest among the groups gnomAD compares: South Asian, 0.0077%; no homozygotes.

Submissions (2):

CeGaT Center for Human Genetics Tuebingen
Classification: Likely benign. Last evaluated: 2025-12-01. Review status: criteria provided, single submitter. Criteria: CeGaT Center For Human Genetics Tuebingen Variant Classification Criteria Version 2. Collection method: clinical testing. Allele origin: germline. Affected: yes. Observed: 1 variant allele.
Comment: ARFGEF2: BP4, BP7

Genetic Services Laboratory, University of Chicago
Classification: Likely benign. Last evaluated: 2017-08-07. Review status: criteria provided, single submitter. Criteria: ACMG Guidelines, 2015. Collection method: clinical testing. Allele origin: germline. Affected: no.

NM_006420.3(ARFGEF2):c.4749C>T (p.Ala1583=)

Gene: ARFGEF2 (ARF guanine nucleotide exchange factor 2; plus strand). Cytogenetic location: 20q13.13.
Variant type: single nucleotide variant.
Coding change: c.4749C>T on transcript NM_006420.3 (MANE Select); coding-DNA position 4749, C replaced by T.
Protein change: p.Ala1583=; no amino-acid change (alanine 1583 retained).
Molecular consequence: synonymous variant.
Genome position (GRCh38, 1-based): chr20:49,023,175, C>T. VCF-style: chr20-49023175-C-T. GRCh37 (hg19) VCF-style: chr20-47639712-C-T.
Identifiers: ClinVar variation 1336194 (VCV001336194.10), dbSNP rs757878455, ClinGen allele CA9899303.
Genomic context (GRCh38, chr20:49,023,175, plus strand): 5'-TGACAACATTGTGTTCTACCCTGCGACGAGCAAAAAGGAGGATGCAGAGCACATGGTTGC[C>T]GCCCAGGTAAGAACAGGAGGCCTCAGGAAGAGCATCCCTGTCCATAGGGAGGTTGCTTTG-3'
Protein context (NP_006411.2, residues 1573-1593): SKKEDAEHMV[Ala1583=]AQQDTLDADI